The following is an entry in ClinVar:

NM_001282597.3(CTNNA2):c.1530C>G (p.Leu510=)

Gene: CTNNA2 (catenin alpha 2; plus strand). Cytogenetic location: 2p12.
Variant type: single nucleotide variant.
Coding change: c.1530C>G on transcript NM_001282597.3 (MANE Select); coding-DNA position 1530, C replaced by G.
Protein change: p.Leu510=; no amino-acid change (leucine 510 retained).
Molecular consequence: synonymous variant.
Genome position (GRCh38, 1-based): chr2:80,546,053, C>G. VCF-style: chr2-80546053-C-G. GRCh37 (hg19) VCF-style: chr2-80773178-C-G.
Other names: c.1530C>G, p.Leu510= (NM_001164883.2, NM_001399737.1, NM_004389.4); c.1632C>G, p.Leu544= (NM_001282598.2); c.567C>G, p.Leu189= (NM_001282599.2); c.426C>G, p.Leu142= (NM_001282600.2, NM_001320810.2).
Identifiers: ClinVar variation 3051204 (VCV003051204.2), dbSNP rs35760472, ClinGen allele CA1735669.

ClinVar aggregate classification (germline): Likely benign (0 of 4 stars; one submission).

Conditions:
CTNNA2-related disorder. Also called: CTNNA2-related condition.

Allele frequency attached by ClinVar (database versions not stated): ExAC 0.00110; 1000 Genomes Project 0.00200; 1000 Genomes Project 30x 0.00203; ESP Exome Variant Server 0.00344.
gnomAD v4.1: 855 of 1,613,926 alleles (0.053%); highest among the groups gnomAD compares: African/African-American, 1%; 7 homozygotes.

Submission:

PreventionGenetics, part of Exact Sciences
Classification: Likely benign for CTNNA2-related condition. Last evaluated: 2019-02-21. Review status: no assertion criteria provided. Collection method: clinical testing. Allele origin: germline.
Comment: This variant is classified as likely benign based on ACMG/AMP sequence variant interpretation guidelines (Richards et al. 2015 PMID: 25741868, with internal and published modifications).